The following is an entry in ClinVar:

ClinVar aggregate classification (germline): Pathogenic (1 of 4 stars; one submission).

Conditions:
Catecholaminergic polymorphic ventricular tachycardia 1. Also called: RYR2-Related Catecholaminergic Polymorphic Ventricular Tachycardia; VENTRICULAR TACHYCARDIA, CATECHOLAMINERGIC POLYMORPHIC, 1, WITH OR WITHOUT ATRIAL DYSFUNCTION AND/OR DILATED CARDIOMYOPATHY; VENTRICULAR TACHYCARDIA, STRESS-INDUCED POLYMORPHIC 1. Identifiers: Orphanet 3286, MedGen C1631597, MONDO:0011484, OMIM 604772.

Submission:

Labcorp Genetics (formerly Invitae), Labcorp
Classification: Pathogenic for Catecholaminergic polymorphic ventricular tachycardia 1. Last evaluated: 2022-09-01. Review status: criteria provided, single submitter. Criteria: Invitae Variant Classification Sherloc (09022015). Collection method: clinical testing. Allele origin: germline.
Comment: For these reasons, this variant has been classified as Pathogenic. Advanced modeling of protein sequence and biophysical properties (such as structural, functional, and spatial information, amino acid conservation, physicochemical variation, residue mobility, and thermodynamic stability) performed at Invitae indicates that this missense variant is expected to disrupt RYR2 protein function. ClinVar contains an entry for this variant (Variation ID: 571532). This missense change has been observed in individual(s) with catecholaminergic polymorphic ventricular tachycardia (CPVT) (Invitae). In at least one individual the variant was observed to be de novo. This variant is not present in population databases (gnomAD no frequency). This sequence change replaces aspartic acid, which is acidic and polar, with histidine, which is basic and polar, at codon 2216 of the RYR2 protein (p.Asp2216His).

NM_001035.3(RYR2):c.6646G>C (p.Asp2216His)

Gene: RYR2 (ryanodine receptor 2; plus strand). Cytogenetic location: 1q43.
Variant type: single nucleotide variant.
Coding change: c.6646G>C on transcript NM_001035.3 (MANE Select); coding-DNA position 6646, G replaced by C.
Protein change: p.Asp2216His; replaces aspartic acid 2216 with histidine.
Molecular consequence: missense variant.
Genome position (GRCh38, 1-based): chr1:237,633,668, G>C. VCF-style: chr1-237633668-G-C. GRCh37 (hg19) VCF-style: chr1-237796968-G-C.
Other names: c.6646G>C, p.Asp2216His (LRG_402t1); short protein forms D2216H.
Identifiers: ClinVar variation 571532 (VCV000571532.11), dbSNP rs1558103974, ClinGen allele CA345394253.